The following is an entry in ClinVar:

ClinVar aggregate classification (germline): Pathogenic (1 of 4 stars; one submission).

Submission:

GeneDx
Classification: Pathogenic. Last evaluated: 2026-09-10. Review status: criteria provided, single submitter. Criteria: GeneDx Variant Classification Process June 2021. Collection method: clinical testing. Allele origin: germline.
Comment: Not observed at significant frequency in large population cohorts (gnomAD); In silico analysis supports that this missense variant has a deleterious effect on protein structure/function; Has not been previously published as pathogenic or benign to our knowledge

NM_006908.5(RAC1):c.122C>T (p.Ser41Phe)

Gene: RAC1 (Rac family small GTPase 1; plus strand). Cytogenetic location: 7p22.1.
Variant type: single nucleotide variant.
Coding change: c.122C>T on transcript NM_006908.5 (MANE Select); coding-DNA position 122, C replaced by T.
Protein change: p.Ser41Phe; replaces serine 41 with phenylalanine.
Molecular consequence: missense variant.
Genome position (GRCh38, 1-based): chr7:6,391,938, C>T. VCF-style: chr7-6391938-C-T. GRCh37 (hg19) VCF-style: chr7-6431569-C-T.
Other names: c.122C>T, p.Ser41Phe (NM_018890.4); short protein forms S41F.
Identifiers: ClinVar variation 3341010 (VCV003341010.2).